The following is an entry in ClinVar:

NM_001012614.2(CTBP1):c.515-9C>T

Genes: CTBP1 (C-terminal binding protein 1; minus strand), CTBP1-AS (CTBP1 antisense RNA; plus strand). Cytogenetic location: 4p16.3.
Variant type: single nucleotide variant.
Coding change: c.515-9C>T on transcript NM_001012614.2 (MANE Select); 9 bases into the intron before coding-DNA position 515, C replaced by T.
Molecular consequence: intron variant. On other transcripts: non-coding transcript variant (1).
Genome position (GRCh38, 1-based): chr4:1,216,214, G>A on the plus strand (C>T on the coding strand, the complement: CTBP1 is on the minus strand). VCF-style: chr4-1216214-G-A. GRCh37 (hg19) VCF-style: chr4-1210002-G-A.
Other names: c.548-9C>T (NM_001328.3).
Identifiers: ClinVar variation 723562 (VCV000723562.11), dbSNP rs375283311, ClinGen allele CA2804377.

ClinVar aggregate classification (germline): Benign. Review status: criteria provided, single submitter (1 of 4 stars). 2 submissions from 2 submitters: Benign (1). 1 of the submissions does not count toward it. Last evaluated 2026-01-10.

Conditions:
CTBP1-related disorder. Also called: CTBP1-related condition.

Allele frequency attached by ClinVar (database versions not stated): gnomAD 0.00007 and 0.00073; TOPMed 0.00015; ESP Exome Variant Server 0.00023; gnomAD exomes 0.00110 and 0.00240; ExAC 0.00324; 1000 Genomes Project 30x 0.00437; 1000 Genomes Project 0.00459.
gnomAD v4.1: 1,738 of 1,606,870 alleles (0.11%); highest among the groups gnomAD compares: South Asian, 1.7%; 45 homozygotes.

Submissions (2):

Labcorp Genetics (formerly Invitae), Labcorp
Classification: Benign. Last evaluated: 2026-01-10. Review status: criteria provided, single submitter. Criteria: Invitae Variant Classification Sherloc (09022015). Collection method: clinical testing. Allele origin: germline.

PreventionGenetics, part of Exact Sciences
Classification: Benign for CTBP1-related condition. Last evaluated: 2019-05-22. Review status: no assertion criteria provided. Collection method: clinical testing. Allele origin: germline. Not counted in ClinVar's aggregate classification.
Comment: This variant is classified as benign based on ACMG/AMP sequence variant interpretation guidelines (Richards et al. 2015 PMID: 25741868, with internal and published modifications).